The following is an entry in ClinVar:

NM_019109.5(ALG1):c.1081G>T (p.Asp361Tyr)

Gene: ALG1 (ALG1 chitobiosyldiphosphodolichol beta-mannosyltransferase; plus strand). Cytogenetic location: 16p13.3.
Variant type: single nucleotide variant.
Coding change: c.1081G>T on transcript NM_019109.5 (MANE Select); coding-DNA position 1081, G replaced by T.
Protein change: p.Asp361Tyr; replaces aspartic acid 361 with tyrosine.
Molecular consequence: missense variant.
Genome position (GRCh38, 1-based): chr16:5,082,567, G>T. VCF-style: chr16-5082567-G-T. GRCh37 (hg19) VCF-style: chr16-5132568-G-T.
Other names: c.748G>T, p.Asp250Tyr (NM_001330504.2); short protein forms D361Y, D250Y.
Identifiers: ClinVar variation 1486470 (VCV001486470.6), dbSNP rs2142725570, ClinGen allele CA394673737.
Genomic context (GRCh38, chr16:5,082,567, plus strand): 5'-TGTGTTCCCAGGGCAGAGACCAGTGCTCTGACCCACCCCTCTTGCCTAGCAGGGTCGGCG[G>T]ACCTGGGTGTCTGTCTGCACACGTCCTCCAGTGGCCTGGACCTGCCCATGAAGGTGGTGG-3'
Protein context (NP_061982.3, residues 351-371): EDYPLLLGSA[Asp361Tyr]LGVCLHTSSS

ClinVar aggregate classification (germline): Uncertain significance (1 of 4 stars; one submission).

Conditions:
ALG1-congenital disorder of glycosylation. Also called: CONGENITAL DISORDER OF GLYCOSYLATION, TYPE Ik; CDG Ik; ALG1-CDG. Identifiers: Orphanet 79327, MedGen C2931005, MONDO:0012052, OMIM 608540.

Submission:

Labcorp Genetics (formerly Invitae), Labcorp
Classification: Uncertain significance for ALG1-congenital disorder of glycosylation. Last evaluated: 2021-08-27. Review status: criteria provided, single submitter. Criteria: Invitae Variant Classification Sherloc (09022015). Collection method: clinical testing. Allele origin: germline.
Comment: In summary, the available evidence is currently insufficient to determine the role of this variant in disease. Therefore, it has been classified as a Variant of Uncertain Significance. Advanced modeling of protein sequence and biophysical properties (such as structural, functional, and spatial information, amino acid conservation, physicochemical variation, residue mobility, and thermodynamic stability) performed at Invitae indicates that this missense variant is expected to disrupt ALG1 protein function. This variant has not been reported in the literature in individuals affected with ALG1-related conditions. This variant is not present in population databases (ExAC no frequency). This sequence change replaces aspartic acid with tyrosine at codon 361 of the ALG1 protein (p.Asp361Tyr). The aspartic acid residue is highly conserved and there is a large physicochemical difference between aspartic acid and tyrosine.